The following is an entry in ClinVar:

ClinVar aggregate classification (germline): Uncertain significance. Review status: criteria provided, multiple submitters, no conflicts (2 of 4 stars). 2 submissions from 2 submitters: Uncertain significance (2). Last evaluated 2026-09-21.

Conditions:
WDPCP-related disorder. Also called: WDPCP-related condition.
Bardet-Biedl syndrome (BBS). Identifiers: Orphanet 110, MedGen C0752166, MONDO:0015229.

Allele frequency attached by ClinVar (database versions not stated): ExAC 0.00001.
gnomAD v4.1: 14 of 1,612,942 alleles (0.00087%); highest among the groups gnomAD compares: Middle Eastern, 0.033%; no homozygotes.

Submissions (2):

PreventionGenetics, part of Exact Sciences
Classification: Uncertain significance for WDPCP-related condition. Last evaluated: 2026-09-21. Review status: criteria provided, single submitter. Criteria: ACMG Guidelines, 2015. Collection method: clinical testing. Allele origin: germline.
Comment: The WDPCP c.346T>G variant is predicted to result in the amino acid substitution p.Cys116Gly. To our knowledge, this variant has not been reported in the literature. This variant is reported in 0.0053% of alleles in individuals of European (Non-Finnish) descent in gnomAD. At this time, the clinical significance of this variant is uncertain due to the absence of conclusive functional and genetic evidence.

Labcorp Genetics (formerly Invitae), Labcorp
Classification: Uncertain significance for Bardet-Biedl syndrome. Last evaluated: 2022-06-14. Review status: criteria provided, single submitter. Criteria: Invitae Variant Classification Sherloc (09022015). Collection method: clinical testing. Allele origin: germline.
Comment: Algorithms developed to predict the effect of missense changes on protein structure and function are either unavailable or do not agree on the potential impact of this missense change (SIFT: "Deleterious"; PolyPhen-2: "Probably Damaging"; Align-GVGD: "Class C0"). This variant has not been reported in the literature in individuals affected with WDPCP-related conditions. This variant is present in population databases (rs779260550, gnomAD 0.002%). This sequence change replaces cysteine, which is neutral and slightly polar, with glycine, which is neutral and non-polar, at codon 116 of the WDPCP protein (p.Cys116Gly). In summary, the available evidence is currently insufficient to determine the role of this variant in disease. Therefore, it has been classified as a Variant of Uncertain Significance.

NM_015910.7(WDPCP):c.346T>G (p.Cys116Gly)

Gene: WDPCP (WD repeat containing planar cell polarity effector; minus strand). Cytogenetic location: 2p15.
Variant type: single nucleotide variant.
Coding change: c.346T>G on transcript NM_015910.7 (MANE Select); coding-DNA position 346, T replaced by G.
Protein change: p.Cys116Gly; replaces cysteine 116 with glycine.
Molecular consequence: missense variant. On other transcripts: non-coding transcript variant (2).
Genome position (GRCh38, 1-based): chr2:63,484,642, A>C on the plus strand (T>G on the coding strand, the complement: WDPCP is on the minus strand). VCF-style: chr2-63484642-A-C. GRCh37 (hg19) VCF-style: chr2-63711776-A-C.
Other names: c.346T>G (NM_015910.5); c.274T>G, p.Cys92Gly (NM_001354044.2); c.346T>G, p.Cys116Gly (NM_001354045.2); short protein forms C116G, C92G.
Identifiers: ClinVar variation 1990496 (VCV001990496.4), dbSNP rs779260550, ClinGen allele CA1682502.